The following is an entry in ClinVar:

ClinVar aggregate classification (germline): Likely pathogenic (1 of 4 stars; one submission).

Conditions:
Heterotopia, periventricular, X-linked dominant (PVNH1). Also called: PERIVENTRICULAR NODULAR HETEROTOPIA 1; X-linked periventricular heterotopia; PERIVENTRICULAR NODULAR HETEROTOPIA 4; HETEROTOPIA, PERIVENTRICULAR, 1. Identifiers: Orphanet 2149, Orphanet 82004, MedGen C1848213, MONDO:0010233, OMIM 300049.
Oto-palato-digital syndrome, type II (OPD2). Also called: FACIOPALATOOSSEOUS SYNDROME; OPD II SYNDROME; Otopalatodigital Syndrome Type 2 (FLNA-OPD2); Otopalatodigital Syndrome, Type II. Identifiers: Orphanet 669, Orphanet 90652, MedGen C1844696, MONDO:0010571, OMIM 304120.
Frontometaphyseal dysplasia (FMD1). Identifiers: Orphanet 1826, MedGen C0265293, MONDO:0015942.
Melnick-Needles syndrome (MNS). Also called: MELNICK-NEEDLES OSTEODYSPLASTY; OSTEODYSPLASTY OF MELNICK AND NEEDLES; Melnick-Needles Syndrome (FLNA-MNS). Identifiers: Orphanet 2484, MedGen C0025237, MONDO:0010650, OMIM 309350.

Submission:

Labcorp Genetics (formerly Invitae), Labcorp
Classification: Likely pathogenic for Oto-palato-digital syndrome, type II; Heterotopia, periventricular, X-linked dominant; Frontometaphyseal dysplasia; Melnick-Needles syndrome. Last evaluated: 2017-04-17. Review status: criteria provided, single submitter. Criteria: Invitae Variant Classification Sherloc (09022015). Collection method: clinical testing. Allele origin: germline.
Comment: This sequence change affects a donor splice site in intron 27 of the FLNA gene. It is expected to disrupt RNA splicing and likely results in an absent or disrupted protein product. This variant has not been reported in the literature in individuals with an FLNA-related disease. In summary, donor and acceptor splice site variants are typically loss-of-function (PMID: 16199547), and loss-of-function variants in FLNA are known to be pathogenic (PMID: 16684786, 20730588, 26471271). However, without additional functional and/or genetic data, this variant has been classified as Likely Pathogenic.

Literature cited by the submitters: PubMed 16199547; PubMed 16684786; PubMed 20730588; PubMed 26471271.

NM_001110556.2(FLNA):c.4596_4598+5del

Gene: FLNA (filamin A; minus strand). Cytogenetic location: Xq28.
Variant type: Deletion.
Coding change: c.4596_4598+5del on transcript NM_001110556.2 (MANE Select); coding-DNA position 4596 through 5 bases into the intron after coding-DNA position 4598, 8 bases deleted (GAGGTAAG; older notation c.4596_4598+5delGAGGTAAG).
Molecular consequence: splice donor variant.
Genome position (GRCh38, 1-based): chrX:154,358,440-154,358,447, CTTACCTC deleted on the plus strand (GAGGTAAG on the coding strand, the reverse complement: FLNA is on the minus strand); deleting any 8 consecutive bases within chrX:154,358,440-154,358,448 gives the same sequence; the c. name uses the placement nearest the transcript's 3' end. VCF-style (leftmost placement, unchanged base first): chrX-154358439-TCTTACCTC-T. GRCh37 (hg19) VCF-style: chrX-153586807-TCTTACCTC-T.
Other names: c.4596_4598+5del (NM_001456.4).
Identifiers: ClinVar variation 464993 (VCV000464993.3), dbSNP rs1557177279, ClinGen allele CA658659074.